The following is an entry in ClinVar:

NM_152468.5(TMC8):c.1582T>C (p.Ser528Pro)

Gene: TMC8 (transmembrane channel like 8; plus strand). Cytogenetic location: 17q25.3.
Variant type: single nucleotide variant.
Coding change: c.1582T>C on transcript NM_152468.5 (MANE Select); coding-DNA position 1582, T replaced by C.
Protein change: p.Ser528Pro; replaces serine 528 with proline.
Molecular consequence: missense variant.
Genome position (GRCh38, 1-based): chr17:78,138,397, T>C. VCF-style: chr17-78138397-T-C. GRCh37 (hg19) VCF-style: chr17-76134478-T-C.
Other names: short protein forms S528P.
Identifiers: ClinVar variation 526238 (VCV000526238.10), dbSNP rs1383156201, ClinGen allele CA401251354.

ClinVar aggregate classification (germline): Uncertain significance (1 of 4 stars; one submission).

Conditions:
Epidermodysplasia verruciformis. Identifiers: Orphanet 302, MedGen C0014522, MONDO:0009176.

Allele frequency attached by ClinVar (database versions not stated): gnomAD 0.00001; gnomAD exomes below 0.00001; TOPMed 0.00002.
gnomAD v4.1: 3 of 1,612,314 alleles (0.00019%); highest among the groups gnomAD compares: African/African-American, 0.004%; no homozygotes.

Submission:

Labcorp Genetics (formerly Invitae), Labcorp
Classification: Uncertain significance for Epidermodysplasia verruciformis. Last evaluated: 2017-08-05. Review status: criteria provided, single submitter. Criteria: Invitae Variant Classification Sherloc (09022015). Collection method: clinical testing. Allele origin: germline.
Comment: This variant is not present in population databases (ExAC no frequency). This sequence change replaces serine with proline at codon 528 of the TMC8 protein (p.Ser528Pro). The serine residue is highly conserved and there is a moderate physicochemical difference between serine and proline. This variant has not been reported in the literature in individuals with TMC8-related disease. Algorithms developed to predict the effect of missense changes on protein structure and function do not agree on the potential impact of this missense change (SIFT: "Deleterious"; PolyPhen-2: "Probably Damaging"; Align-GVGD: "Class C0"). In summary, the available evidence is currently insufficient to determine the role of this variant in disease. Therefore, it has been classified as a Variant of Uncertain Significance.